The following is an entry in ClinVar:

NM_000051.4(ATM):c.931A>G (p.Ile311Val)

Gene: ATM (ATM serine/threonine kinase; plus strand). Cytogenetic location: 11q22.3.
Variant type: single nucleotide variant.
Coding change: c.931A>G on transcript NM_000051.4 (MANE Select); coding-DNA position 931, A replaced by G.
Protein change: p.Ile311Val; replaces isoleucine 311 with valine.
Molecular consequence: missense variant.
Genome position (GRCh38, 1-based): chr11:108,246,993, A>G. VCF-style: chr11-108246993-A-G. GRCh37 (hg19) VCF-style: chr11-108117720-A-G.
Other names: c.931A>G, p.Ile311Val (NM_001351834.2); short protein forms I311V.
Identifiers: ClinVar variation 229990 (VCV000229990.33), dbSNP rs876658322, ClinGen allele CA10578984.

ClinVar aggregate classification (germline): Conflicting classifications of pathogenicity. Review status: criteria provided, conflicting classifications (1 of 4 stars). 8 submissions from 8 submitters: Uncertain significance (6); Likely benign (1). 1 of the submissions does not count toward it. Last evaluated 2026-03-30.

Conditions:
Hereditary cancer-predisposing syndrome. Also called: Tumor predisposition; Neoplastic Syndromes, Hereditary; Hereditary Cancer Syndrome; Hereditary neoplastic syndrome. Identifiers: Orphanet 140162, MedGen C0027672, MeSH D009386, MONDO:0015356.
Familial cancer of breast. Also called: BREAST CANCER, FAMILIAL; Hereditary breast cancer; hereditary breast carcinoma. Identifiers: Orphanet 227535, MedGen C0346153, MONDO:0016419, OMIM 114480. Disease mechanism: loss of function.
Ataxia-telangiectasia syndrome (AT). Also called: Ataxia-telangiectasia; Ataxia-telangiectasia, complementation group D; AT, COMPLEMENTATION GROUP C; Ataxia telangiectasia (A-T); Cerebello-oculocutaneous telangiectasia; Immunodeficiency with ataxia telangiectasia. Identifiers: Orphanet 100, MedGen C0004135, MONDO:0008840, OMIM 208900.

Allele frequency attached by ClinVar (database versions not stated): gnomAD exomes below 0.00001 and 0.00001; gnomAD 0.00001; TOPMed 0.00002.

Submissions (8):

Women's Health and Genetics/Laboratory Corporation of America, LabCorp
Classification: Uncertain significance. Last evaluated: 2026-03-30. Review status: criteria provided, single submitter. Criteria: LabCorp Variant Classification Summary - May 2015. Collection method: clinical testing. Allele origin: germline.
Comment: Variant summary: ATM c.931A>G (p.Ile311Val) results in a conservative amino acid change in the encoded protein sequence. Algorithms developed to predict the effect of missense changes on protein structure and function all suggest that this variant is likely to be tolerated. The variant allele was found at a frequency of 8e-06 in 250896 control chromosomes. The available data on variant occurrences in the general population are insufficient to allow any conclusion about variant significance. c.931A>G has been observed in an HBOC individual with limited information (lack of co-occurrence and cosegregation data) (Tavera-Tapia_2017). These report(s) do not provide unequivocal conclusions about association of the variant with Breast Cancer. To our knowledge, no experimental evidence demonstrating an impact on protein function has been reported. The following publication has been ascertained in the context of this evaluation (PMID: 27913932). ClinVar contains an entry for this variant (Variation ID: 229990). Based on the evidence outlined above, the variant was classified as uncertain significance.

Ambry Genetics
Classification: Likely benign for Hereditary cancer-predisposing syndrome. Last evaluated: 2026-02-27. Review status: criteria provided, single submitter. Criteria: Ambry Variant Classification Scheme 2023. Collection method: clinical testing. Allele origin: germline.

Labcorp Genetics (formerly Invitae), Labcorp
Classification: Uncertain significance for Ataxia-telangiectasia syndrome. Last evaluated: 2025-12-28. Review status: criteria provided, single submitter. Criteria: Invitae Variant Classification Sherloc (09022015). Collection method: clinical testing. Allele origin: germline.
Comment: This sequence change replaces isoleucine, which is neutral and non-polar, with valine, which is neutral and non-polar, at codon 311 of the ATM protein (p.Ile311Val). This variant is present in population databases (no rsID available, gnomAD 0.006%). This missense change has been observed in individual(s) with ATM-related cancer (PMID: 27913932). ClinVar contains an entry for this variant (Variation ID: 229990). Invitae Evidence Modeling of protein sequence and biophysical properties (such as structural, functional, and spatial information, amino acid conservation, physicochemical variation, residue mobility, and thermodynamic stability) indicates that this missense variant is not expected to disrupt ATM protein function with a negative predictive value of 95%. In summary, the available evidence is currently insufficient to determine the role of this variant in disease. Therefore, it has been classified as a Variant of Uncertain Significance.

GeneDx
Classification: Uncertain significance. Last evaluated: 2025-02-25. Review status: criteria provided, single submitter. Criteria: GeneDx Variant Classification Process June 2021. Collection method: clinical testing. Allele origin: germline. Affected: yes.
Comment: Not observed at significant frequency in large population cohorts (gnomAD); In silico analysis indicates that this missense variant does not alter protein structure/function; Observed in individuals with breast and/or ovarian cancer (PMID: 27913932); This variant is associated with the following publications: (PMID: 33471991, 33057194, 35982159, 27913932)

Baylor Genetics
Classification: Uncertain significance for Familial cancer of breast. Last evaluated: 2024-03-25. Review status: criteria provided, single submitter. Criteria: ACMG Guidelines, 2015. Collection method: clinical testing. Allele origin: unknown.

Sema4
Classification: Uncertain significance for Hereditary cancer-predisposing syndrome. Last evaluated: 2021-09-14. Review status: criteria provided, single submitter. Criteria: Sema4 Curation Guidelines. Collection method: curation. Allele origin: germline.
Comment: The ATM c.931A>G (p.I311V) variant has been reported in heterozygosity in at least two individuals with breast cancer (PMID: 27913932, 33471991). It was observed in 2/34538 chromosomes of the Latino subpopulation in the large and broad cohorts of the Genome Aggregation Database (PMID: 32461654). The variant has been reported in ClinVar (Variation ID 229990). Functional studies have not been performed, and in silico predictions of the variant's effect on protein function are inconclusive. The evidence is insufficient to meet ACMG/AMP criteria for classifying the variant as benign or pathogenic. Thus, the clinical significance of this variant is currently uncertain.

Color Diagnostics, LLC DBA Color Health
Classification: Uncertain significance for Hereditary cancer-predisposing syndrome. Last evaluated: 2021-06-15. Review status: criteria provided, single submitter. Criteria: ACMG Guidelines, 2015. Collection method: clinical testing. Allele origin: germline.
Comment: This missense variant replaces isoleucine with valine at codon 311 of the ATM protein. Computational prediction suggests that this variant may not impact protein structure and function (internally defined REVEL score threshold <= 0.5, PMID: 27666373). To our knowledge, functional studies have not been reported for this variant. This variant has not been reported in individuals affected with hereditary cancer in the literature. This variant has been identified in 2/250896 chromosomes in the general population by the Genome Aggregation Database (gnomAD). The available evidence is insufficient to determine the role of this variant in disease conclusively. Therefore, this variant is classified as a Variant of Uncertain Significance.

Natera, Inc.
Classification: Uncertain significance for Ataxia-telangiectasia. Last evaluated: 2021-02-15. Review status: no assertion criteria provided. Collection method: clinical testing. Allele origin: germline. Not counted in ClinVar's aggregate classification.

Literature cited by the submitters: PubMed 27913932 (cited by 3 submitters); PubMed 33471991 (cited by Sema4).